The following is an entry in ClinVar:

ClinVar aggregate classification (germline): Uncertain significance (1 of 4 stars; one submission).

Conditions:
Renal cell carcinoma. Identifiers: Orphanet 217071, MedGen C0007134, MeSH D002292, MONDO:0005086, HP:0005584.

Submission:

Labcorp Genetics (formerly Invitae), Labcorp
Classification: Uncertain significance for Renal cell carcinoma. Last evaluated: 2021-12-30. Review status: criteria provided, single submitter. Criteria: Invitae Variant Classification Sherloc (09022015). Collection method: clinical testing. Allele origin: germline.
Comment: In summary, the available evidence is currently insufficient to determine the role of this variant in disease. Therefore, it has been classified as a Variant of Uncertain Significance. Algorithms developed to predict the effect of missense changes on protein structure and function output the following: SIFT: "Tolerated"; PolyPhen-2: "Benign"; Align-GVGD: "Class C0". The isoleucine amino acid residue is found in multiple mammalian species, which suggests that this missense change does not adversely affect protein function. This variant has not been reported in the literature in individuals affected with MET-related conditions. This variant is not present in population databases (gnomAD no frequency). This sequence change replaces valine, which is neutral and non-polar, with isoleucine, which is neutral and non-polar, at codon 794 of the MET protein (p.Val794Ile).

NM_000245.4(MET):c.2326G>A (p.Val776Ile)

Gene: MET (MET proto-oncogene, receptor tyrosine kinase; plus strand). Cytogenetic location: 7q31.2.
Variant type: single nucleotide variant.
Coding change: c.2326G>A on transcript NM_000245.4 (MANE Select); coding-DNA position 2326, G replaced by A.
Protein change: p.Val776Ile; replaces valine 776 with isoleucine.
Molecular consequence: missense variant.
Genome position (GRCh38, 1-based): chr7:116,759,452, G>A. VCF-style: chr7-116759452-G-A. GRCh37 (hg19) VCF-style: chr7-116399506-G-A.
Other names: c.2380G>A, p.Val794Ile (NM_001127500.3); c.2326G>A, p.Val776Ile (NM_001324401.3); c.1036G>A, p.Val346Ile (NM_001324402.2); short protein forms V776I, V794I, V346I.
Identifiers: ClinVar variation 2066162 (VCV002066162.4), dbSNP rs771976817, ClinGen allele CA368982378.
Genomic context (GRCh38, chr7:116,759,452, plus strand): 5'-GGTGGGAGCACAATAACAGGTGTTGGGAAAAACCTGAATTCAGTTAGTGTCCCGAGAATG[G>A]TCATAAATGTGCATGAAGCAGGAAGGAACTTTACAGTGGTAAGTCCTTTGAGCAATGGTT-3'
Protein context (NP_000236.2, residues 766-786): NLNSVSVPRM[Val776Ile]INVHEAGRNF